The following is an entry in ClinVar:

NM_001166108.2(PALLD):c.*57del

Genes: CBR4 (carbonyl reductase 4; minus strand), PALLD (palladin, cytoskeletal associated protein; plus strand). Cytogenetic location: 4q32.3.
Variant type: Deletion.
Coding change: c.*57del on transcript NM_001166108.2 (MANE Select); 57 bases downstream of the stop codon, one base deleted (G; older notation c.*57delG).
Molecular consequence: 3 prime UTR variant. On other transcripts: frameshift variant (4).
Genome position (GRCh38, 1-based): chr4:168,926,237, G deleted. VCF-style (leftmost placement, unchanged base first): chr4-168926236-AG-A. GRCh37 (hg19) VCF-style: chr4-169847387-AG-A.
Other names: c.2186del, p.Ser729fs (NM_001166109.2); c.1871del, p.Ser624fs (NM_001166110.2); c.*57del (NM_001367567.1, NM_001367570.1, NM_016081.4); c.1262del, p.Ser421fs (NM_001367568.1); c.1211del, p.Ser404fs (NM_001367569.1); short protein forms S404fs, S729fs, S421fs, S624fs.
Identifiers: ClinVar variation 2754934 (VCV002754934.3), dbSNP rs2534295799, ClinGen allele CA2697546981.

ClinVar aggregate classification (germline): Uncertain significance (1 of 4 stars; one submission).

Conditions:
Pancreatic adenocarcinoma. Identifiers: MedGen C0281361, MONDO:0006047, HP:0006725.

Submission:

Labcorp Genetics (formerly Invitae), Labcorp
Classification: Uncertain significance for Pancreatic adenocarcinoma. Last evaluated: 2023-08-24. Review status: criteria provided, single submitter. Criteria: Invitae Variant Classification Sherloc (09022015). Collection method: clinical testing. Allele origin: germline.
Comment: This sequence change creates a premature translational stop signal (p.Ser624Thrfs*22) in the PALLD gene. While this is not anticipated to result in nonsense mediated decay, it is expected to disrupt the last 49 amino acid(s) of the PALLD protein. This variant is not present in population databases (gnomAD no frequency). This variant has not been reported in the literature in individuals affected with PALLD-related conditions. In summary, the available evidence is currently insufficient to determine the role of this variant in disease. Therefore, it has been classified as a Variant of Uncertain Significance.